The following is an entry in ClinVar:

ClinVar aggregate classification (germline): Uncertain significance (1 of 4 stars; one submission).

Conditions:
Inborn genetic diseases. Identifiers: MedGen C0950123, MeSH D030342.

Submission:

Ambry Genetics
Classification: Uncertain significance for Inborn genetic diseases. Last evaluated: 2025-11-24. Review status: criteria provided, single submitter. Criteria: Ambry Variant Classification Scheme 2023. Collection method: clinical testing. Allele origin: germline.
Comment: The p.Q485R variant (also known as c.1454A>G), located in coding exon 11 of the CEP57 gene, results from an A to G substitution at nucleotide position 1454. The glutamine at codon 485 is replaced by arginine, an amino acid with highly similar properties. This amino acid position is conserved. In addition, this alteration is predicted to be tolerated by in silico analysis. Based on the available evidence, the clinical significance of this variant remains unclear.

NM_014679.5(CEP57):c.1454A>G (p.Gln485Arg)

Gene: CEP57 (centrosomal protein 57; plus strand). Cytogenetic location: 11q21.
Variant type: single nucleotide variant.
Coding change: c.1454A>G on transcript NM_014679.5 (MANE Select); coding-DNA position 1454, A replaced by G.
Protein change: p.Gln485Arg; replaces glutamine 485 with arginine.
Molecular consequence: missense variant.
Genome position (GRCh38, 1-based): chr11:95,831,207, A>G. VCF-style: chr11-95831207-A-G. GRCh37 (hg19) VCF-style: chr11-95564371-A-G.
Other names: c.1373A>G, p.Gln458Arg (NM_001440870.1, NM_001363604.2, NM_001440869.1); c.1346A>G, p.Gln449Arg (NM_001440871.1); c.1337A>G, p.Gln446Arg (NM_001440872.1); c.1274A>G, p.Gln425Arg (NM_001440873.1); c.1268A>G, p.Gln423Arg (NM_001440874.1); c.1265A>G, p.Gln422Arg (NM_001440875.1); c.1259A>G, p.Gln420Arg (NM_001440876.1); c.1256A>G, p.Gln419Arg (NM_001440877.1, NM_001440878.1); and 6 more; short protein forms Q386R, Q410R, Q449R, Q459R, Q476R, Q384R, Q422R, Q446R.
Identifiers: ClinVar variation 4613703 (VCV004613703.1).
Genomic context (GRCh38, chr11:95,831,207, plus strand): 5'-TTATGAAACTGAGACCTGGAGAAAAAAGGAGAAAAAATCTTCAGTTATTGAAGGACATGC[A>G]AAGCATACAGAATTCATTACAAAGCAGTAGTTTGTGTTGGGATTACTGACTCATAACCAG-3'
Protein context (NP_055494.2, residues 475-495): RKNLQLLKDM[Gln485Arg]SIQNSLQSSS